The following is an entry in ClinVar:

ClinVar aggregate classification (germline): Conflicting classifications of pathogenicity. Review status: criteria provided, conflicting classifications (1 of 4 stars). 4 submissions from 4 submitters: Uncertain significance (1); Benign (1); Likely benign (2). Last evaluated 2026-01-16.

Conditions:
Hereditary cancer-predisposing syndrome. Also called: Hereditary Cancer Syndrome; Hereditary neoplastic syndrome; Neoplastic Syndromes, Hereditary; Tumor predisposition. Identifiers: Orphanet 140162, MedGen C0027672, MeSH D009386, MONDO:0015356.
BAP1-related tumor predisposition syndrome (TPDS1). Also called: Tumor susceptibility linked to germline BAP1 mutations; COMMON Syndrome; TUMOR PREDISPOSITION SYNDROME 1; BAP1 tumor predisposition syndrome. Identifiers: Orphanet 289539, MedGen C3280492, MONDO:0013692, OMIM 614327.

Allele frequency attached by ClinVar (database versions not stated): ExAC 0.00001; gnomAD 0.00001; TOPMed 0.00001; gnomAD exomes below 0.00001.
gnomAD v4.1: 3 of 1,613,866 alleles (0.00019%); highest among the groups gnomAD compares: Admixed American, 0.005%; no homozygotes.

Submissions (4):

Labcorp Genetics (formerly Invitae), Labcorp
Classification: Likely benign for BAP1-related tumor predisposition syndrome. Last evaluated: 2026-01-16. Review status: criteria provided, single submitter. Criteria: Invitae Variant Classification Sherloc (09022015). Collection method: clinical testing. Allele origin: germline.

Quest Diagnostics Nichols Institute San Juan Capistrano
Classification: Uncertain significance. Last evaluated: 2025-07-20. Review status: criteria provided, single submitter. Criteria: Quest Diagnostics criteria. Collection method: clinical testing. Allele origin: unknown.
Comment: The BAP1 c.576C>T (p.Asp192=) synonymous variant has not been reported in individuals with BAP1-related conditions in the published literature. Experimental evidence shows this variant does not affect splicing (PMID: 33681728 (2021)). The frequency of this variant in the general population (Genome Aggregation Database) is uninformative in the assessment of its pathogenicity. Analysis of this variant using software algorithms for the prediction of the effect of nucleotide changes on splicing yielded predictions that this variant does not affect BAP1 mRNA splicing. Based on the available information, we are unable to determine the clinical significance of this variant.

Myriad Genetics, Inc.
Classification: Benign for BAP1-related tumor predisposition syndrome. Last evaluated: 2024-07-12. Review status: criteria provided, single submitter. Criteria: Myriad Autosomal Dominant, Autosomal Recessive and X-Linked Classification Criteria (2023). Collection method: clinical testing. Allele origin: unknown.
Comment: This variant is considered benign. This variant is a silent/synonymous amino acid change and it is not expected to impact splicing.

Ambry Genetics
Classification: Likely benign for Hereditary cancer-predisposing syndrome. Last evaluated: 2020-09-11. Review status: criteria provided, single submitter. Criteria: Ambry Variant Classification Scheme 2023. Collection method: clinical testing. Allele origin: germline.

Literature cited by the submitters: PubMed 33681728 (cited by Quest Diagnostics Nichols Institute San Juan Capistrano).

NM_004656.4(BAP1):c.576C>T (p.Asp192=)

Gene: BAP1 (BRCA1 associated deubiquitinase 1; minus strand). Cytogenetic location: 3p21.1.
Variant type: single nucleotide variant.
Coding change: c.576C>T on transcript NM_004656.4 (MANE Select); coding-DNA position 576, C replaced by T.
Protein change: p.Asp192=; no amino-acid change (aspartic acid 192 retained).
Molecular consequence: synonymous variant.
Genome position (GRCh38, 1-based): chr3:52,407,178, G>A on the plus strand (C>T on the coding strand, the complement: BAP1 is on the minus strand). VCF-style: chr3-52407178-G-A. GRCh37 (hg19) VCF-style: chr3-52441194-G-A.
Other names: c.576C>T, p.Asp192= (NM_001410772.1); c.576C>T (NM_004656.3).
Identifiers: ClinVar variation 1749529 (VCV001749529.9), dbSNP rs765527118, ClinGen allele CA2437057.